The following is an entry in ClinVar:

ClinVar aggregate classification (germline): Uncertain significance (1 of 4 stars; one submission).

Conditions:
Hypoplastic left heart syndrome. Also called: Hypoplastic left ventricle; Hypoplastic left heart. Identifiers: Orphanet 2248, MedGen C0152101, MONDO:0004933, HP:0004383.

Allele frequency attached by ClinVar (database versions not stated): gnomAD 0.00001; TOPMed 0.00001.
gnomAD v4.1: 1 of 1,610,844 alleles (0.000062%); highest among the groups gnomAD compares: Admixed American, 0.0017%; no homozygotes.

Submission:

Labcorp Genetics (formerly Invitae), Labcorp
Classification: Uncertain significance for Hypoplastic left heart syndrome. Last evaluated: 2017-11-03. Review status: criteria provided, single submitter. Criteria: Invitae Variant Classification Sherloc (09022015). Collection method: clinical testing. Allele origin: germline.
Comment: This sequence change replaces glutamic acid with valine at codon 86 of the HAND1 protein (p.Glu86Val). The glutamic acid residue is highly conserved and there is a moderate physicochemical difference between glutamic acid and valine. This variant is not present in population databases (ExAC no frequency). This variant has not been reported in the literature in individuals with HAND1-related disease. Algorithms developed to predict the effect of missense changes on protein structure and function do not agree on the potential impact of this missense change (SIFT: "Deleterious"; PolyPhen-2: "Benign"; Align-GVGD: "Class C0"). In summary, the available evidence is currently insufficient to determine the role of this variant in disease. Therefore, it has been classified as a Variant of Uncertain Significance.

NM_004821.3(HAND1):c.257A>T (p.Glu86Val)

Gene: HAND1 (heart and neural crest derivatives expressed 1; minus strand). Cytogenetic location: 5q33.2.
Variant type: single nucleotide variant.
Coding change: c.257A>T on transcript NM_004821.3 (MANE Select); coding-DNA position 257, A replaced by T.
Protein change: p.Glu86Val; replaces glutamic acid 86 with valine.
Molecular consequence: missense variant.
Genome position (GRCh38, 1-based): chr5:154,477,752, T>A on the plus strand (A>T on the coding strand, the complement: HAND1 is on the minus strand). VCF-style: chr5-154477752-T-A. GRCh37 (hg19) VCF-style: chr5-153857312-T-A.
Other names: short protein forms E86V.
Identifiers: ClinVar variation 528329 (VCV000528329.1), dbSNP rs1177737621, ClinGen allele CA361922968.